The following is an entry in ClinVar:

NM_020708.5(SLC12A5):c.3131A>T (p.Gln1044Leu)

Gene: SLC12A5 (solute carrier family 12 member 5; plus strand). Cytogenetic location: 20q13.12.
Variant type: single nucleotide variant.
Coding change: c.3131A>T on transcript NM_020708.5 (MANE Select); coding-DNA position 3131, A replaced by T.
Protein change: p.Gln1044Leu; replaces glutamine 1044 with leucine.
Molecular consequence: missense variant.
Genome position (GRCh38, 1-based): chr20:46,057,175, A>T. VCF-style: chr20-46057175-A-T. GRCh37 (hg19) VCF-style: chr20-44685814-A-T.
Other names: c.3200A>T, p.Gln1067Leu (NM_001134771.2); c.3200A>T (NM_001134771.1); short protein forms Q1067L, Q1044L.
Identifiers: ClinVar variation 934752 (VCV000934752.13), dbSNP rs529949253, ClinGen allele CA315645177.

ClinVar aggregate classification (germline): Uncertain significance. Review status: criteria provided, multiple submitters, no conflicts (2 of 4 stars). 3 submissions from 3 submitters: Uncertain significance (3). Last evaluated 2025-06-20.

Conditions:
Developmental and epileptic encephalopathy, 34 (DEE34). Also called: Early infantile epileptic encephalopathy 34; SLC12A5-Related Epilepsy of Infancy with Migrating Focal Seizures. Identifiers: Orphanet 293181, MedGen C4225257, MONDO:0014718, OMIM 616645.

Allele frequency attached by ClinVar (database versions not stated): gnomAD 0.00001; gnomAD exomes 0.00001; TOPMed 0.00002.
gnomAD v4.1: 15 of 1,614,010 alleles (0.00093%); highest among the groups gnomAD compares: Non-Finnish European, 0.001%; no homozygotes.

Submissions (3):

Ambry Genetics
Classification: Uncertain significance. Last evaluated: 2025-06-20. Review status: criteria provided, single submitter. Criteria: Ambry Variant Classification Scheme 2023. Collection method: clinical testing. Allele origin: germline.

Revvity Omics, Revvity
Classification: Uncertain significance for Developmental and epileptic encephalopathy, 34. Last evaluated: 2022-04-15. Review status: criteria provided, single submitter. Criteria: ACMG Guidelines, 2015. Collection method: clinical testing. Allele origin: germline.

Labcorp Genetics (formerly Invitae), Labcorp
Classification: Uncertain significance for Developmental and epileptic encephalopathy, 34. Last evaluated: 2019-09-02. Review status: criteria provided, single submitter. Criteria: Invitae Variant Classification Sherloc (09022015). Collection method: clinical testing. Allele origin: germline.
Comment: In summary, the available evidence is currently insufficient to determine the role of this variant in disease. Therefore, it has been classified as a Variant of Uncertain Significance. Algorithms developed to predict the effect of missense changes on protein structure and function (SIFT, PolyPhen-2, Align-GVGD) all suggest that this variant is likely to be tolerated, but these predictions have not been confirmed by published functional studies and their clinical significance is uncertain. This variant has not been reported in the literature in individuals with SLC12A5-related conditions. This variant is not present in population databases (ExAC no frequency). This sequence change replaces glutamine with leucine at codon 1044 of the SLC12A5 protein (p.Gln1044Leu). The glutamine residue is moderately conserved and there is a moderate physicochemical difference between glutamine and leucine.